The following is an entry in ClinVar:

ClinVar aggregate classification (germline): Pathogenic (1 of 4 stars; one submission).

Conditions:
Joubert syndrome 23 (JBTS23). Identifiers: Orphanet 475, MedGen C4084822, MONDO:0014664, OMIM 616490.
Short-rib thoracic dysplasia 14 with polydactyly (SRTD14). Identifiers: Orphanet 397715, MedGen C4225286, MONDO:0014688, OMIM 616546.

Submission:

Labcorp Genetics (formerly Invitae), Labcorp
Classification: Pathogenic for Joubert syndrome 23; Short-rib thoracic dysplasia 14 with polydactyly. Last evaluated: 2019-08-28. Review status: criteria provided, single submitter. Criteria: Invitae Variant Classification Sherloc (09022015). Collection method: clinical testing. Allele origin: germline.
Comment: This sequence change creates a premature translational stop signal (p.Glu297*) in the KIAA0586 gene. It is expected to result in an absent or disrupted protein product. This variant is not present in population databases (ExAC no frequency). This variant has not been reported in the literature in individuals with KIAA0586-related conditions. Loss-of-function variants in KIAA0586 are known to be pathogenic (PMID: 26096313, 26166481, 26386044). For these reasons, this variant has been classified as Pathogenic.

NM_001329943.3(KIAA0586):c.730G>T (p.Glu244Ter)

Gene: KIAA0586 (KIAA0586; plus strand). Cytogenetic location: 14q23.1.
Variant type: single nucleotide variant.
Coding change: c.730G>T on transcript NM_001329943.3 (MANE Select); coding-DNA position 730, G replaced by T.
Protein change: p.Glu244Ter; replaces glutamic acid 244 with a stop codon.
Molecular consequence: nonsense.
Genome position (GRCh38, 1-based): chr14:58,444,098, G>T. VCF-style: chr14-58444098-G-T. GRCh37 (hg19) VCF-style: chr14-58910816-G-T.
Other names: c.889G>T, p.Glu297Ter (NM_001244189.2); c.685G>T, p.Glu229Ter (NM_001244190.2); c.475G>T, p.Glu159Ter (NM_001244191.2, NM_001329945.2, NM_001364700.1 and 1 more transcripts); c.598G>T, p.Glu200Ter (NM_001244192.2); c.310G>T, p.Glu104Ter (NM_001244193.2); c.730G>T, p.Glu244Ter (NM_001329944.2, NM_001329946.2, NM_001329947.2 and 1 more transcripts); short protein forms E104*, E229*, E159*, E297*, E200*, E244*.
Identifiers: ClinVar variation 940430 (VCV000940430.1), dbSNP rs376338487, ClinGen allele CA389862734.